The following is an entry in ClinVar:

NM_004247.4(EFTUD2):c.814A>G (p.Thr272Ala)

Gene: EFTUD2 (elongation factor Tu GTP binding domain containing 2; minus strand). Cytogenetic location: 17q21.31.
Variant type: single nucleotide variant.
Coding change: c.814A>G on transcript NM_004247.4 (MANE Select); coding-DNA position 814, A replaced by G.
Protein change: p.Thr272Ala; replaces threonine 272 with alanine.
Molecular consequence: missense variant.
Genome position (GRCh38, 1-based): chr17:44,875,989, T>C on the plus strand (A>G on the coding strand, the complement: EFTUD2 is on the minus strand). VCF-style: chr17-44875989-T-C. GRCh37 (hg19) VCF-style: chr17-42953357-T-C.
Other names: c.709A>G, p.Thr237Ala (NM_001142605.2); c.814A>G, p.Thr272Ala (NM_001258353.2); c.784A>G, p.Thr262Ala (NM_001258354.2); short protein forms T237A, T262A, T272A.
Identifiers: ClinVar variation 2905707 (VCV002905707.3), dbSNP rs150633454, ClinGen allele CA8607981.
Genomic context (GRCh38, chr17:44,875,989, plus strand): 5'-TCTACCTTATTAATCCATTGACCTCATCCACAATGTGGCGCAGCTTGTAATAAGCATCAG[T>C]TGGAGGCAGCTTCAGCTCCAGGATCAGCCGGTCAATCTTGTTGATGCACACAGTGACTGC-3'
Protein context (NP_004238.3, residues 262-282): RLILELKLPP[Thr272Ala]DAYYKLRHIV

ClinVar aggregate classification (germline): Uncertain significance (1 of 4 stars; one submission).

Allele frequency attached by ClinVar (database versions not stated): gnomAD exomes below 0.00001; ExAC 0.00003; gnomAD 0.00003; ESP Exome Variant Server 0.00015.
gnomAD v4.1: 11 of 1,614,008 alleles (0.00068%); highest among the groups gnomAD compares: African/African-American, 0.0067%; no homozygotes.

Submission:

Labcorp Genetics (formerly Invitae), Labcorp
Classification: Uncertain significance. Last evaluated: 2022-10-25. Review status: criteria provided, single submitter. Criteria: Invitae Variant Classification Sherloc (09022015). Collection method: clinical testing. Allele origin: germline.
Comment: In summary, the available evidence is currently insufficient to determine the role of this variant in disease. Therefore, it has been classified as a Variant of Uncertain Significance. Advanced modeling of protein sequence and biophysical properties (such as structural, functional, and spatial information, amino acid conservation, physicochemical variation, residue mobility, and thermodynamic stability) performed at Invitae indicates that this missense variant is expected to disrupt EFTUD2 protein function. This variant has not been reported in the literature in individuals affected with EFTUD2-related conditions. This variant is present in population databases (rs150633454, gnomAD 0.007%). This sequence change replaces threonine, which is neutral and polar, with alanine, which is neutral and non-polar, at codon 272 of the EFTUD2 protein (p.Thr272Ala).